The following is an entry in ClinVar:

NM_000368.5(TSC1):c.2484C>T (p.Leu828=)

Gene: TSC1 (TSC complex subunit 1; minus strand). Cytogenetic location: 9q34.13.
Variant type: single nucleotide variant.
Coding change: c.2484C>T on transcript NM_000368.5 (MANE Select); coding-DNA position 2484, C replaced by T.
Protein change: p.Leu828=; no amino-acid change (leucine 828 retained).
Molecular consequence: synonymous variant. On other transcripts: non-coding transcript variant (5), intron variant (8).
Genome position (GRCh38, 1-based): chr9:132,901,607, G>A on the plus strand (C>T on the coding strand, the complement: TSC1 is on the minus strand). VCF-style: chr9-132901607-G-A. GRCh37 (hg19) VCF-style: chr9-135776994-G-A.
Other names: c.2481C>T, p.Leu827= (NM_001162426.2, NM_001406597.1, NM_001406598.1 and 2 more transcripts); c.2331C>T, p.Leu777= (NM_001162427.2, NM_001406610.1); c.2121C>T, p.Leu707= (NM_001362177.2, NM_001406614.1, NM_001406615.1 and 4 more transcripts); c.2484C>T, p.Leu828= (NM_001406592.1, NM_001406593.1, NM_001406594.1 and 2 more transcripts); c.2469C>T, p.Leu823= (NM_001406601.1, NM_001406602.1); c.2466C>T, p.Leu822= (NM_001406603.1, NM_001406604.1); c.2328C>T, p.Leu776= (NM_001406611.1, NM_001406612.1); c.2118C>T, p.Leu706= (NM_001406620.1, NM_001406621.1, NM_001406622.1 and 1 more transcripts); and 8 more.
Identifiers: ClinVar variation 2170101 (VCV002170101.5), dbSNP rs2131703646, ClinGen allele CA467590435.

ClinVar aggregate classification (germline): Conflicting classifications of pathogenicity. Review status: criteria provided, conflicting classifications (1 of 4 stars). 2 submissions from 2 submitters: Uncertain significance (1); Likely benign (1). Last evaluated 2025-03-24.

Conditions:
Hereditary cancer-predisposing syndrome. Also called: Neoplastic Syndromes, Hereditary; Hereditary neoplastic syndrome; Hereditary Cancer Syndrome; Tumor predisposition. Identifiers: Orphanet 140162, MedGen C0027672, MeSH D009386, MONDO:0015356.
Tuberous sclerosis 1 (TSC1). Identifiers: Orphanet 805, MedGen C1854465, MONDO:0008612, OMIM 191100.

gnomAD v4.1: 2 of 1,614,064 alleles (0.00012%); highest among the groups gnomAD compares: Non-Finnish European, 0.00017%; no homozygotes.

Submissions (2):

Ambry Genetics
Classification: Uncertain significance for Hereditary cancer-predisposing syndrome. Last evaluated: 2025-03-24. Review status: criteria provided, single submitter. Criteria: Ambry Variant Classification Scheme 2023. Collection method: clinical testing. Allele origin: germline.
Comment: The c.2484C>T variant (also known as p.L828L), located in coding exon 17 of the TSC1 gene, results from a C to T substitution at nucleotide position 2484. This nucleotide substitution does not change the amino acid at codon 828. This nucleotide position is not well conserved in available vertebrate species. In silico splice site analysis for this alteration is inconclusive. Based on the available evidence, the clinical significance of this variant remains unclear.

Labcorp Genetics (formerly Invitae), Labcorp
Classification: Likely benign for Tuberous sclerosis 1. Last evaluated: 2022-06-26. Review status: criteria provided, single submitter. Criteria: Invitae Variant Classification Sherloc (09022015). Collection method: clinical testing. Allele origin: germline.